The following is an entry in ClinVar:

ClinVar aggregate classification (germline): Likely benign. Review status: criteria provided, multiple submitters, no conflicts (2 of 4 stars). 6 submissions from 6 submitters: Likely benign (6). Last evaluated 2025-12-30.

Conditions:
Neurofibromatosis, type 2 (SWNV). Also called: BILATERAL ACOUSTIC NEUROFIBROMATOSIS; NF2-Related Schwannomatosis; SCHWANNOMATOSIS, VESTIBULAR. Identifiers: Orphanet 637, MedGen C0027832, MONDO:0007039, OMIM 101000. Disease mechanism: loss of function.
Hereditary cancer-predisposing syndrome. Also called: Neoplastic Syndromes, Hereditary; Tumor predisposition; Hereditary neoplastic syndrome; Hereditary Cancer Syndrome. Identifiers: Orphanet 140162, MedGen C0027672, MeSH D009386, MONDO:0015356.

Allele frequency attached by ClinVar (database versions not stated): gnomAD exomes below 0.00001; ExAC 0.00001; gnomAD 0.00001 and 0.00002; TOPMed 0.00001; ESP Exome Variant Server 0.00008.
gnomAD v4.1: 9 of 1,614,034 alleles (0.00056%); highest among the groups gnomAD compares: East Asian, 0.0045%; no homozygotes.

Submissions (6):

Labcorp Genetics (formerly Invitae), Labcorp
Classification: Likely benign for Neurofibromatosis, type 2. Last evaluated: 2025-12-30. Review status: criteria provided, single submitter. Criteria: Invitae Variant Classification Sherloc (09022015). Collection method: clinical testing. Allele origin: germline.

Blueprint Genetics
Classification: Likely benign. Last evaluated: 2024-08-15. Review status: criteria provided, single submitter. Criteria: ACMG Guidelines, 2015. Collection method: clinical testing. Allele origin: germline.

CeGaT Center for Human Genetics Tuebingen
Classification: Likely benign. Last evaluated: 2024-08-01. Review status: criteria provided, single submitter. Criteria: CeGaT Center For Human Genetics Tuebingen Variant Classification Criteria Version 2. Collection method: clinical testing. Allele origin: germline. Affected: yes. Observed: 1 variant allele.
Comment: NF2: BP4, BP7

All of Us Research Program, National Institutes of Health
Classification: Likely benign for Neurofibromatosis, type 2. Last evaluated: 2023-07-22. Review status: criteria provided, single submitter. Criteria: ACMG Guidelines, 2015. Collection method: clinical testing. Allele origin: germline. Inheritance: Autosomal dominant inheritance. Observed: 2 variant alleles, 2 heterozygotes.
Comment: This study involves interpretation of variants in research participants for the purpose of population health screening. Participant phenotype was not available at the time of variant classification. Additional details can be found in publication PMID: 35346344, PMCID: PMC8962531

Color Diagnostics, LLC DBA Color Health
Classification: Likely benign for Neurofibromatosis, type 2. Last evaluated: 2022-11-06. Review status: criteria provided, single submitter. Criteria: ACMG Guidelines, 2015. Collection method: clinical testing. Allele origin: germline.

Ambry Genetics
Classification: Likely benign for Hereditary cancer-predisposing syndrome. Last evaluated: 2022-09-25. Review status: criteria provided, single submitter. Criteria: Ambry Variant Classification Scheme 2023. Collection method: clinical testing. Allele origin: germline.

NM_000268.4(NF2):c.651C>T (p.Tyr217=)

Gene: NF2 (NF2, moesin-ezrin-radixin like (MERLIN) tumor suppressor; plus strand). Cytogenetic location: 22q12.2.
Variant type: single nucleotide variant.
Coding change: c.651C>T on transcript NM_000268.4 (MANE Select); coding-DNA position 651, C replaced by T.
Protein change: p.Tyr217=; no amino-acid change (tyrosine 217 retained).
Molecular consequence: synonymous variant. On other transcripts: non-coding transcript variant (1), intron variant (1).
Genome position (GRCh38, 1-based): chr22:29,658,240, C>T. VCF-style: chr22-29658240-C-T. GRCh37 (hg19) VCF-style: chr22-30054229-C-T.
Other names: c.651C>T, p.Tyr217= (NM_016418.5, NM_181825.3, NM_181832.3); c.525C>T, p.Tyr175= (NM_181828.3); c.528C>T, p.Tyr176= (NM_181829.3); c.402C>T, p.Tyr134= (NM_181830.3, NM_181831.3); c.447+15955C>T (NM_181833.3).
Identifiers: ClinVar variation 1110136 (VCV001110136.29), dbSNP rs367802186, ClinGen allele CA034531.
Genomic context (GRCh38, chr22:29,658,240, plus strand): 5'-TCCCCACAGGGATGAAGCTGAAATGGAATATCTGAAGATAGCTCAGGACCTGGAGATGTA[C>T]GGTGTGAACTACTTTGCAATCCGGGTGTGTTGAAACCTCTCTGAGCTCCTTGTGTAGTAG-3'
Protein context (NP_000259.1, residues 207-227): YLKIAQDLEM[Tyr217=]GVNYFAIRNK